The following is an entry in ClinVar:

ClinVar aggregate classification (germline): Benign (3 of 4 stars; one submission).

Conditions:
Breast-ovarian cancer, familial, susceptibility to, 2 (BROVCA2). Also called: BRCA2 Hereditary Breast and Ovarian Cancer. Identifiers: Orphanet 145, MedGen C2675520, MONDO:0012933, OMIM 612555. Disease mechanism: loss of function.

Allele frequency attached by ClinVar (database versions not stated): gnomAD 0.01288; TOPMed 0.01405; 1000 Genomes Project 0.01238; 1000 Genomes Project 30x 0.01265.
gnomAD v4.1: 1,876 of 152,232 alleles (1.2%); highest among the groups gnomAD compares: African/African-American, 4.3%; 39 homozygotes.

Submission:

Evidence-based Network for the Interpretation of Germline Mutant Alleles (ENIGMA)
Classification: Benign for Breast-ovarian cancer, familial 2. Last evaluated: 2015-01-12. Review status: reviewed by expert panel. Criteria: ENIGMA BRCA1/2 Classification Criteria (2015). Collection method: curation. Allele origin: germline.
Comment: Class 1 not pathogenic based on frequency >1% in an outbred sampleset. Frequency 0.03659 (African), derived from 1000 genomes (2012-04-30).

NM_000059.4(BRCA2):c.7806-2229G>A

Gene: BRCA2 (BRCA2 DNA repair associated; plus strand). Cytogenetic location: 13q13.1.
Variant type: single nucleotide variant.
Coding change: c.7806-2229G>A on transcript NM_000059.4 (MANE Select); 2229 bases into the intron before coding-DNA position 7806, G replaced by A.
Molecular consequence: intron variant.
Genome position (GRCh38, 1-based): chr13:32,360,294, G>A. VCF-style: chr13-32360294-G-A. GRCh37 (hg19) VCF-style: chr13-32934431-G-A.
Other names: IVS 16-2229G>A.
Identifiers: ClinVar variation 209766 (VCV000209766.1), dbSNP rs74047013, ClinGen allele CA276734.